The following is an entry in ClinVar:

NM_000548.5(TSC2):c.4704C>A (p.Ser1568=)

Gene: TSC2 (TSC complex subunit 2; plus strand). Cytogenetic location: 16p13.3.
Variant type: single nucleotide variant.
Coding change: c.4704C>A on transcript NM_000548.5 (MANE Select); coding-DNA position 4704, C replaced by A.
Protein change: p.Ser1568=; no amino-acid change (serine 1568 retained).
Molecular consequence: synonymous variant. On other transcripts: non-coding transcript variant (5).
Genome position (GRCh38, 1-based): chr16:2,086,234, C>A. VCF-style: chr16-2086234-C-A. GRCh37 (hg19) VCF-style: chr16-2136235-C-A.
Other names: c.4503C>A, p.Ser1501= (NM_001077183.3); c.4635C>A, p.Ser1545= (NM_001114382.3); c.4395C>A, p.Ser1465= (NM_001318827.2); c.4359C>A, p.Ser1453= (NM_001318829.2); c.3972C>A, p.Ser1324= (NM_001318831.2); c.4536C>A, p.Ser1512= (NM_001318832.2); c.4506C>A, p.Ser1502= (NM_001363528.2); c.4572C>A, p.Ser1524= (NM_001370404.1); and 26 more.
Identifiers: ClinVar variation 4071068 (VCV004071068.2).

ClinVar aggregate classification (germline): Benign/Likely benign. Review status: criteria provided, multiple submitters, no conflicts (2 of 4 stars). 2 submissions from 2 submitters: Benign (1); Likely benign (1). Last evaluated 2026-08-07.

Conditions:
Tuberous sclerosis 2 (TSC2). Identifiers: Orphanet 805, MedGen C1860707, MONDO:0013199, OMIM 613254.
Hereditary cancer-predisposing syndrome. Also called: Neoplastic Syndromes, Hereditary; Tumor predisposition; Hereditary Cancer Syndrome; Hereditary neoplastic syndrome. Identifiers: Orphanet 140162, MedGen C0027672, MeSH D009386, MONDO:0015356.

Submissions (2):

Ambry Genetics
Classification: Likely benign for Hereditary cancer-predisposing syndrome. Last evaluated: 2026-08-07. Review status: criteria provided, single submitter. Criteria: Ambry Variant Classification Scheme 2023. Collection method: clinical testing. Allele origin: germline.

Myriad Genetics, Inc.
Classification: Benign for Tuberous sclerosis 2. Last evaluated: 2025-06-04. Review status: criteria provided, single submitter. Criteria: Myriad Autosomal Dominant, Autosomal Recessive and X-Linked Classification Criteria (2023). Collection method: clinical testing. Allele origin: unknown.
Comment: This variant is considered benign. This variant is a silent/synonymous amino acid change and it is not expected to impact splicing.